The following is an entry in ClinVar:

NM_000441.2(SLC26A4):c.2120G>T (p.Gly707Val)

Genes: SLC26A4 (solute carrier family 26 member 4; plus strand), LOC123956210 (Sharpr-MPRA regulatory region 3291; plus strand). Cytogenetic location: 7q22.3.
Variant type: single nucleotide variant.
Coding change: c.2120G>T on transcript NM_000441.2 (MANE Select); coding-DNA position 2120, G replaced by T.
Protein change: p.Gly707Val; replaces glycine 707 with valine.
Molecular consequence: missense variant.
Genome position (GRCh38, 1-based): chr7:107,710,084, G>T. VCF-style: chr7-107710084-G-T. GRCh37 (hg19) VCF-style: chr7-107350529-G-T.
Other names: short protein forms G707V.
Identifiers: ClinVar variation 1394319 (VCV001394319.5), dbSNP rs2129319908, ClinGen allele CA368845576.

ClinVar aggregate classification (germline): Uncertain significance (1 of 4 stars; one submission).

Allele frequency attached by ClinVar (database versions not stated): gnomAD exomes below 0.00001.
gnomAD v4.1: 1 of 1,612,958 alleles (0.000062%); highest among the groups gnomAD compares: Admixed American, 0.0017%; no homozygotes.

Submission:

Labcorp Genetics (formerly Invitae), Labcorp
Classification: Uncertain significance. Last evaluated: 2021-09-01. Review status: criteria provided, single submitter. Criteria: Invitae Variant Classification Sherloc (09022015). Collection method: clinical testing. Allele origin: germline.
Comment: This sequence change replaces glycine with valine at codon 707 of the SLC26A4 protein (p.Gly707Val). The glycine residue is moderately conserved and there is a moderate physicochemical difference between glycine and valine. This variant is not present in population databases (ExAC no frequency). This variant has not been reported in the literature in individuals affected with SLC26A4-related conditions. Advanced modeling of protein sequence and biophysical properties (such as structural, functional, and spatial information, amino acid conservation, physicochemical variation, residue mobility, and thermodynamic stability) performed at Invitae indicates that this missense variant is not expected to disrupt SLC26A4 protein function. In summary, the available evidence is currently insufficient to determine the role of this variant in disease. Therefore, it has been classified as a Variant of Uncertain Significance.